The following is an entry in ClinVar:

NM_001458.5(FLNC):c.19T>G (p.Tyr7Asp)

Gene: FLNC (filamin C; plus strand). Cytogenetic location: 7q32.1.
Variant type: single nucleotide variant.
Coding change: c.19T>G on transcript NM_001458.5 (MANE Select); coding-DNA position 19, T replaced by G.
Protein change: p.Tyr7Asp; replaces tyrosine 7 with aspartic acid.
Molecular consequence: missense variant.
Genome position (GRCh38, 1-based): chr7:128,830,656, T>G. VCF-style: chr7-128830656-T-G. GRCh37 (hg19) VCF-style: chr7-128470710-T-G.
Other names: c.19T>G, p.Tyr7Asp (NM_001127487.2); short protein forms Y7D.
Identifiers: ClinVar variation 848024 (VCV000848024.9), dbSNP rs896068048, ClinGen allele CA166206906.
Genomic context (GRCh38, chr7:128,830,656, plus strand): 5'-ACCGCGGCCCTAGCCCCGGCCGCACCCCCAGCCCGCGCCAGCATGATGAACAACAGCGGC[T>G]ACTCAGACGCCGGCCTCGGCCTGGGCGATGAGACAGACGAGATGCCGTCCACGGAGAAGG-3'
Protein context (NP_001449.3, residues 1-17): MMNNSG[Tyr7Asp]SDAGLGLGDE

ClinVar aggregate classification (germline): Uncertain significance. Review status: criteria provided, multiple submitters, no conflicts (2 of 4 stars). 2 submissions from 2 submitters: Uncertain significance (2). Last evaluated 2025-06-04.

Conditions:
Cardiovascular phenotype. Identifiers: MedGen CN230736.
Myofibrillar myopathy 5. Also called: Filaminopathy (type); FILAMINOPATHY, AUTOSOMAL DOMINANT. Identifiers: Orphanet 171445, MedGen C1836050, MONDO:0012289, OMIM 609524.
Distal myopathy with posterior leg and anterior hand involvement. Also called: WILLIAMS DISTAL MYOPATHY. Identifiers: Orphanet 63273, MedGen C3279722, MONDO:0013550, OMIM 614065.
Hypertrophic cardiomyopathy 26. Also called: Cardiomyopathy, familial hypertrophic, 26. Identifiers: Orphanet 75249, MedGen C4310749, MONDO:0014883, OMIM 617047.

Allele frequency attached by ClinVar (database versions not stated): gnomAD exomes below 0.00001; TOPMed 0.00002; gnomAD 0.00003.
gnomAD v4.1: 7 of 1,612,162 alleles (0.00043%); highest among the groups gnomAD compares: African/African-American, 0.0093%; no homozygotes.

Submissions (2):

Labcorp Genetics (formerly Invitae), Labcorp
Classification: Uncertain significance for Distal myopathy with posterior leg and anterior hand involvement; Myofibrillar myopathy 5; Hypertrophic cardiomyopathy 26. Last evaluated: 2025-06-04. Review status: criteria provided, single submitter. Criteria: Invitae Variant Classification Sherloc (09022015). Collection method: clinical testing. Allele origin: germline.
Comment: This sequence change replaces tyrosine, which is neutral and polar, with aspartic acid, which is acidic and polar, at codon 7 of the FLNC protein (p.Tyr7Asp). This variant is not present in population databases (gnomAD no frequency). This variant has not been reported in the literature in individuals affected with FLNC-related conditions. ClinVar contains an entry for this variant (Variation ID: 848024). An algorithm developed to predict the effect of missense changes on protein structure and function (PolyPhen-2) suggests that this variant is likely to be tolerated. In summary, the available evidence is currently insufficient to determine the role of this variant in disease. Therefore, it has been classified as a Variant of Uncertain Significance.

Ambry Genetics
Classification: Uncertain significance for Cardiovascular phenotype. Last evaluated: 2024-02-09. Review status: criteria provided, single submitter. Criteria: Ambry Variant Classification Scheme 2023. Collection method: clinical testing. Allele origin: germline.
Comment: The p.Y7D variant (also known as c.19T>G), located in coding exon 1 of the FLNC gene, results from a T to G substitution at nucleotide position 19. The tyrosine at codon 7 is replaced by aspartic acid, an amino acid with highly dissimilar properties. This amino acid position is conserved. In addition, this alteration is predicted to be tolerated by in silico analysis. Since supporting evidence is limited at this time, the clinical significance of this alteration remains unclear.